The following is an entry in ClinVar:

ClinVar aggregate classification (germline): Likely benign. Review status: criteria provided, multiple submitters, no conflicts (2 of 4 stars). 3 submissions from 3 submitters: Likely benign (3). Last evaluated 2026-08-14.

Conditions:
CDH23-related disorder. Also called: CDH23-related disorders; CDH23-related condition.

Allele frequency attached by ClinVar (database versions not stated): gnomAD 0.00003; TOPMed 0.00003; gnomAD exomes 0.00004 and 0.00007; ExAC 0.00008.
gnomAD v4.1: 66 of 1,600,876 alleles (0.0041%); highest among the groups gnomAD compares: South Asian, 0.028%; no homozygotes.

Submissions (3):

PreventionGenetics, part of Exact Sciences
Classification: Likely benign for CDH23-related condition. Last evaluated: 2026-08-14. Review status: criteria provided, single submitter. Criteria: ACMG Guidelines, 2015. Collection method: clinical testing. Allele origin: germline.
Comment: This variant is classified as likely benign based on ACMG/AMP sequence variant interpretation guidelines (Richards et al. 2015 PMID: 25741868, with internal and published modifications).

Labcorp Genetics (formerly Invitae), Labcorp
Classification: Likely benign. Last evaluated: 2023-11-27. Review status: criteria provided, single submitter. Criteria: Invitae Variant Classification Sherloc (09022015). Collection method: clinical testing. Allele origin: germline.

Blueprint Genetics
Classification: Likely benign. Last evaluated: 2022-01-06. Review status: criteria provided, single submitter. Criteria: ACMG Guidelines, 2015. Collection method: clinical testing. Allele origin: germline.

NM_022124.6(CDH23):c.9459G>A (p.Pro3153=)

Gene: CDH23 (cadherin related 23; plus strand). Cytogenetic location: 10q22.1.
Variant type: single nucleotide variant.
Coding change: c.9459G>A on transcript NM_022124.6 (MANE Select); coding-DNA position 9459, G replaced by A.
Protein change: p.Pro3153=; no amino-acid change (proline 3153 retained).
Molecular consequence: synonymous variant.
Genome position (GRCh38, 1-based): chr10:71,812,558, G>A. VCF-style: chr10-71812558-G-A. GRCh37 (hg19) VCF-style: chr10-73572315-G-A.
Other names: c.2739G>A, p.Pro913= (NM_001171933.1, NM_001171934.1); c.150G>A, p.Pro50= (NM_001171935.1, NM_001171936.1).
Identifiers: ClinVar variation 760368 (VCV000760368.10), dbSNP rs775390697, ClinGen allele CA5547087.